The following is an entry in ClinVar:

ClinVar aggregate classification (germline): Uncertain significance (1 of 4 stars; one submission).

Allele frequency attached by ClinVar (database versions not stated): gnomAD exomes below 0.00001; TOPMed below 0.00001.
gnomAD v4.1: 3 of 1,614,050 alleles (0.00019%); highest among the groups gnomAD compares: East Asian, 0.0022%; no homozygotes.

Submission:

Labcorp Genetics (formerly Invitae), Labcorp
Classification: Uncertain significance. Last evaluated: 2021-08-20. Review status: criteria provided, single submitter. Criteria: Invitae Variant Classification Sherloc (09022015). Collection method: clinical testing. Allele origin: germline.
Comment: This sequence change replaces asparagine with serine at codon 496 of the PCDH15 protein (p.Asn496Ser). The asparagine residue is highly conserved and there is a small physicochemical difference between asparagine and serine. This variant is not present in population databases (ExAC no frequency). This variant has not been reported in the literature in individuals affected with PCDH15-related conditions. Algorithms developed to predict the effect of missense changes on protein structure and function (SIFT, PolyPhen-2, Align-GVGD) all suggest that this variant is likely to be tolerated. In summary, the available evidence is currently insufficient to determine the role of this variant in disease. Therefore, it has been classified as a Variant of Uncertain Significance.

NM_001384140.1(PCDH15):c.1487A>G (p.Asn496Ser)

Gene: PCDH15 (protocadherin related 15; minus strand). Cytogenetic location: 10q21.1.
Variant type: single nucleotide variant.
Coding change: c.1487A>G on transcript NM_001384140.1 (MANE Select); coding-DNA position 1487, A replaced by G.
Protein change: p.Asn496Ser; replaces asparagine 496 with serine.
Molecular consequence: missense variant.
Genome position (GRCh38, 1-based): chr10:54,183,547, T>C on the plus strand (A>G on the coding strand, the complement: PCDH15 is on the minus strand). VCF-style: chr10-54183547-T-C. GRCh37 (hg19) VCF-style: chr10-55943307-T-C.
Other names: c.1502A>G, p.Asn501Ser (NM_001142763.2, NM_001142771.2); c.1487A>G, p.Asn496Ser (NM_001142764.2, NM_001142765.2, NM_001142766.2 and 6 more transcripts); c.1376A>G, p.Asn459Ser (NM_001142767.2); c.1421A>G, p.Asn474Ser (NM_001142768.2, NM_001142773.2, NM_001354404.2); c.1523A>G, p.Asn508Ser (NM_001142769.4); c.1508A>G, p.Asn503Ser (NM_001354411.2); short protein forms N474S, N496S, N508S, N503S, N459S, N501S.
Identifiers: ClinVar variation 1468779 (VCV001468779.5), dbSNP rs1398600387, ClinGen allele CA376514673.
Genomic context (GRCh38, chr10:54,183,547, plus strand): 5'-ACATCATAGGATATTTCAGGGAAGGTTGGCGTGTTATCATTTGCATCCATCACTTGAATA[T>C]TGACGATGACTGGCTCACTTTCTTGTACACCATCAAATGCTGTTATCTTTGGGAGGAGAA-3'
Protein context (NP_001371069.1, residues 486-506): GVQESEPVIV[Asn496Ser]IQVMDANDNT